The following is an entry in ClinVar:

NM_004977.3(KCNC3):c.1706C>T (p.Pro569Leu)

Gene: KCNC3 (potassium voltage-gated channel subfamily C member 3; minus strand). Cytogenetic location: 19q13.33.
Variant type: single nucleotide variant.
Coding change: c.1706C>T on transcript NM_004977.3 (MANE Select); coding-DNA position 1706, C replaced by T.
Protein change: p.Pro569Leu; replaces proline 569 with leucine.
Molecular consequence: missense variant.
Genome position (GRCh38, 1-based): chr19:50,323,247, G>A on the plus strand (C>T on the coding strand, the complement: KCNC3 is on the minus strand). VCF-style: chr19-50323247-G-A. GRCh37 (hg19) VCF-style: chr19-50826504-G-A.
Other names: c.1478C>T, p.Pro493Leu (NM_001372305.1); short protein forms P569L, P493L.
Identifiers: ClinVar variation 1397903 (VCV001397903.10), dbSNP rs558106649, ClinGen allele CA9594186.

ClinVar aggregate classification (germline): Conflicting classifications of pathogenicity. Review status: criteria provided, conflicting classifications (1 of 4 stars). 2 submissions from 2 submitters: Uncertain significance (1); Likely benign (1). Last evaluated 2025-06-27.

Allele frequency attached by ClinVar (database versions not stated): gnomAD exomes 0.00007; 1000 Genomes Project 30x 0.00016; 1000 Genomes Project 0.00020; ExAC 0.00002.

Submissions (2):

Athena Diagnostics
Classification: Likely benign. Last evaluated: 2025-06-27. Review status: criteria provided, single submitter. Criteria: Athena Diagnostics Criteria. Collection method: clinical testing. Allele origin: unknown.
Comment: The frequency of this variant in the general population is higher than would generally be expected for pathogenic variants in this gene. Computational tools predict this amino acid change may be benign. This variant has been seen where an alternate explanation for disease was also identified.

Labcorp Genetics (formerly Invitae), Labcorp
Classification: Uncertain significance. Last evaluated: 2023-12-11. Review status: criteria provided, single submitter. Criteria: Invitae Variant Classification Sherloc (09022015). Collection method: clinical testing. Allele origin: germline.
Comment: This sequence change replaces proline, which is neutral and non-polar, with leucine, which is neutral and non-polar, at codon 569 of the KCNC3 protein (p.Pro569Leu). This variant is present in population databases (rs558106649, gnomAD 0.01%). This variant has not been reported in the literature in individuals affected with KCNC3-related conditions. ClinVar contains an entry for this variant (Variation ID: 1397903). Advanced modeling of protein sequence and biophysical properties (such as structural, functional, and spatial information, amino acid conservation, physicochemical variation, residue mobility, and thermodynamic stability) performed at Invitae indicates that this missense variant is not expected to disrupt KCNC3 protein function with a negative predictive value of 95%. In summary, the available evidence is currently insufficient to determine the role of this variant in disease. Therefore, it has been classified as a Variant of Uncertain Significance.

Literature cited by the submitters: PubMed 27165006 (cited by Athena Diagnostics).